The following is an entry in ClinVar:

ClinVar aggregate classification (germline): Uncertain significance (1 of 4 stars; one submission).

Conditions:
Primary ciliary dyskinesia. Also called: Ciliary dyskinesia. Identifiers: Orphanet 244, MedGen C0008780, MONDO:0016575, HP:0012265.

Submission:

Labcorp Genetics (formerly Invitae), Labcorp
Classification: Uncertain significance for Primary ciliary dyskinesia. Last evaluated: 2023-10-03. Review status: criteria provided, single submitter. Criteria: Invitae Variant Classification Sherloc (09022015). Collection method: clinical testing. Allele origin: germline.
Comment: This sequence change replaces glutamic acid, which is acidic and polar, with glycine, which is neutral and non-polar, at codon 342 of the CCDC39 protein (p.Glu342Gly). This variant is not present in population databases (gnomAD no frequency). This variant has not been reported in the literature in individuals affected with CCDC39-related conditions. ClinVar contains an entry for this variant (Variation ID: 525235). An algorithm developed to predict the effect of missense changes on protein structure and function (PolyPhen-2) suggests that this variant is likely to be tolerated. In summary, the available evidence is currently insufficient to determine the role of this variant in disease. Therefore, it has been classified as a Variant of Uncertain Significance.

NM_181426.2(CCDC39):c.1025A>G (p.Glu342Gly)

Gene: CCDC39 (coiled-coil domain 39 molecular ruler complex subunit; minus strand). Cytogenetic location: 3q26.33.
Variant type: single nucleotide variant.
Coding change: c.1025A>G on transcript NM_181426.2 (MANE Select); coding-DNA position 1025, A replaced by G.
Protein change: p.Glu342Gly; replaces glutamic acid 342 with glycine.
Molecular consequence: missense variant.
Genome position (GRCh38, 1-based): chr3:180,652,172, T>C on the plus strand (A>G on the coding strand, the complement: CCDC39 is on the minus strand). VCF-style: chr3-180652172-T-C. GRCh37 (hg19) VCF-style: chr3-180369960-T-C.
Other names: short protein forms E342G.
Identifiers: ClinVar variation 525235 (VCV000525235.9), dbSNP rs1553804760, ClinGen allele CA355299250.